The following is an entry in ClinVar:

ClinVar aggregate classification (germline): Uncertain significance (1 of 4 stars; one submission).

Allele frequency attached by ClinVar (database versions not stated): TOPMed below 0.00001.
gnomAD v4.1: 1 of 1,609,316 alleles (0.000062%); highest among the groups gnomAD compares: Non-Finnish European, 0.000085%; no homozygotes.

Submission:

Labcorp Genetics (formerly Invitae), Labcorp
Classification: Uncertain significance. Last evaluated: 2025-01-06. Review status: criteria provided, single submitter. Criteria: Invitae Variant Classification Sherloc (09022015). Collection method: clinical testing. Allele origin: germline.
Comment: This sequence change replaces serine, which is neutral and polar, with threonine, which is neutral and polar, at codon 1205 of the IMPG2 protein (p.Ser1205Thr). This variant is not present in population databases (gnomAD no frequency). This variant has not been reported in the literature in individuals affected with IMPG2-related conditions. ClinVar contains an entry for this variant (Variation ID: 1008630). Invitae Evidence Modeling of protein sequence and biophysical properties (such as structural, functional, and spatial information, amino acid conservation, physicochemical variation, residue mobility, and thermodynamic stability) indicates that this missense variant is not expected to disrupt IMPG2 protein function with a negative predictive value of 80%. In summary, the available evidence is currently insufficient to determine the role of this variant in disease. Therefore, it has been classified as a Variant of Uncertain Significance.

NM_016247.4(IMPG2):c.3614G>C (p.Ser1205Thr)

Gene: IMPG2 (interphotoreceptor matrix proteoglycan 2; minus strand). Cytogenetic location: 3q12.3.
Variant type: single nucleotide variant.
Coding change: c.3614G>C on transcript NM_016247.4 (MANE Select); coding-DNA position 3614, G replaced by C.
Protein change: p.Ser1205Thr; replaces serine 1205 with threonine.
Molecular consequence: missense variant.
Genome position (GRCh38, 1-based): chr3:101,229,399, C>G on the plus strand (G>C on the coding strand, the complement: IMPG2 is on the minus strand). VCF-style: chr3-101229399-C-G. GRCh37 (hg19) VCF-style: chr3-100948243-C-G.
Other names: short protein forms S1205T.
Identifiers: ClinVar variation 1008630 (VCV001008630.8), dbSNP rs1706260366, ClinGen allele CA353846881.